The following is an entry in ClinVar:

NM_015272.5(RPGRIP1L):c.130C>T (p.Arg44Cys)

Gene: RPGRIP1L (RPGRIP1 like; minus strand). Cytogenetic location: 16q12.2.
Variant type: single nucleotide variant.
Coding change: c.130C>T on transcript NM_015272.5 (MANE Select); coding-DNA position 130, C replaced by T.
Protein change: p.Arg44Cys; replaces arginine 44 with cysteine.
Molecular consequence: missense variant.
Genome position (GRCh38, 1-based): chr16:53,696,251, G>A on the plus strand (C>T on the coding strand, the complement: RPGRIP1L is on the minus strand). VCF-style: chr16-53696251-G-A. GRCh37 (hg19) VCF-style: chr16-53730163-G-A.
Other names: c.130C>T, p.Arg44Cys (NM_001127897.4, NM_001308334.3, NM_001328422.2 and 2 more transcripts); short protein forms R44C.
Identifiers: ClinVar variation 2187442 (VCV002187442.1), dbSNP rs774932728, ClinGen allele CA8058206.

ClinVar aggregate classification (germline): Uncertain significance (1 of 4 stars; one submission).

Conditions:
Joubert syndrome. Also called: CEREBELLOPARENCHYMAL DISORDER IV; JOUBERT-BOLTSHAUSER SYNDROME; Familial aplasia of the vermis. Identifiers: Orphanet 475, MedGen C5979921, MONDO:0018772.
Meckel-Gruber syndrome. Also called: DYSENCEPHALIA SPLANCHNOCYSTICA; GRUBER SYNDROME; Dysencephalia splachnocystica. Identifiers: Orphanet 564, MedGen C0265215, MONDO:0018921.

Allele frequency attached by ClinVar (database versions not stated): TOPMed below 0.00001; ExAC 0.00001; gnomAD 0.00001; gnomAD exomes 0.00002.
gnomAD v4.1: 15 of 1,613,878 alleles (0.00093%); highest among the groups gnomAD compares: East Asian, 0.027%; no homozygotes.

Submission:

Labcorp Genetics (formerly Invitae), Labcorp
Classification: Uncertain significance for Joubert syndrome; Meckel-Gruber syndrome. Last evaluated: 2022-01-19. Review status: criteria provided, single submitter. Criteria: Invitae Variant Classification Sherloc (09022015). Collection method: clinical testing. Allele origin: germline.
Comment: This sequence change replaces arginine, which is basic and polar, with cysteine, which is neutral and slightly polar, at codon 44 of the RPGRIP1L protein (p.Arg44Cys). This variant is present in population databases (rs774932728, gnomAD 0.007%). This variant has not been reported in the literature in individuals affected with RPGRIP1L-related conditions. Algorithms developed to predict the effect of missense changes on protein structure and function (SIFT, PolyPhen-2, Align-GVGD) all suggest that this variant is likely to be disruptive. In summary, the available evidence is currently insufficient to determine the role of this variant in disease. Therefore, it has been classified as a Variant of Uncertain Significance.